The following is an entry in ClinVar:

ClinVar aggregate classification (germline): Likely pathogenic (1 of 4 stars; one submission).

Conditions:
Dilated cardiomyopathy 1G (CMD1G). Identifiers: Orphanet 154, MedGen C1858763, MONDO:0011400, OMIM 604145.
Autosomal recessive limb-girdle muscular dystrophy type 2J (LGMDR10). Also called: MUSCULAR DYSTROPHY, LIMB-GIRDLE, AUTOSOMAL RECESSIVE 10; Limb-girdle muscular dystrophy, type 2J. Identifiers: Orphanet 140922, MedGen C1837342, MONDO:0012127, OMIM 608807.

Submission:

Labcorp Genetics (formerly Invitae), Labcorp
Classification: Likely pathogenic for Dilated cardiomyopathy 1G; Autosomal recessive limb-girdle muscular dystrophy type 2J. Last evaluated: 2024-11-04. Review status: criteria provided, single submitter. Criteria: Invitae Variant Classification Sherloc (09022015). Collection method: clinical testing. Allele origin: germline.
Comment: This sequence change creates a premature translational stop signal (p.Asp5176Valfs*2) in the TTN gene. While this is not anticipated to result in nonsense mediated decay, it is expected to create a truncated TTN protein. This variant is not present in population databases (gnomAD no frequency). This variant has not been reported in the literature in individuals affected with TTN-related conditions. ClinVar contains an entry for this variant (Variation ID: 2005606). This variant is located in the I band of TTN (PMID: 25589632). Truncating variants in this region have been reported in individuals affected with autosomal recessive centronuclear myopathy (PMID: 23975875, internal data). Truncating variants in this region have also been identified in individuals affected with autosomal dominant dilated cardiomyopathy and/or cardio-related conditions (PMID: 27869827, 32964742, internal data). In summary, the currently available evidence indicates that the variant is pathogenic, but additional data are needed to prove that conclusively. Therefore, this variant has been classified as Likely Pathogenic.

Literature cited by the submitters: PubMed 25589632; PubMed 23975875; PubMed 27869827; PubMed 32964742.

NM_001267550.2(TTN):c.15527del (p.Asp5176fs)

Gene: TTN (titin; minus strand). Cytogenetic location: 2q31.2.
Variant type: Deletion.
Coding change: c.15527del on transcript NM_001267550.2 (MANE Select); coding-DNA position 15527, one base deleted (A; older notation c.15527delA).
Protein change: p.Asp5176fs; shifts the reading frame from aspartic acid 5176.
Molecular consequence: frameshift variant. On other transcripts: intron variant (3).
Genome position (GRCh38, 1-based): chr2:178,733,862, T deleted on the plus strand (A on the coding strand, the reverse complement: TTN is on the minus strand). VCF-style (leftmost placement, unchanged base first): chr2-178733861-AT-A. GRCh37 (hg19) VCF-style: chr2-179598588-AT-A.
Other names: c.14576del, p.Asp4859fs (NM_001256850.1); c.11795del, p.Asp3932fs (NM_133378.4); c.13282+4220del (NM_003319.4); c.13858+4220del (NM_133437.4); c.13657+4220del (NM_133432.3); short protein forms D3932fs, D5176fs, D4859fs.
Identifiers: ClinVar variation 2005606 (VCV002005606.4), dbSNP rs2530229386, ClinGen allele CA2580065140.